The following is an entry in ClinVar:

ClinVar aggregate classification (germline): Likely benign (1 of 4 stars; one submission).

gnomAD v4.1: 220 of 45,598 alleles (0.48%); highest among the groups gnomAD compares: Non-Finnish European, 0.63%; 3 homozygotes.

Submission:

CeGaT Center for Human Genetics Tuebingen
Classification: Likely benign. Last evaluated: 2023-01-01. Review status: criteria provided, single submitter. Criteria: CeGaT Center For Human Genetics Tuebingen Variant Classification Criteria Version 2. Collection method: clinical testing. Allele origin: germline. Affected: yes. Observed: 1 variant allele.
Comment: GRTP1: BS2

NM_024719.4(GRTP1):c.466-1144G>T

Gene: GRTP1 (growth hormone regulated TBC protein 1; minus strand). Cytogenetic location: 13q34.
Variant type: single nucleotide variant.
Coding change: c.466-1144G>T on transcript NM_024719.4 (MANE Select); 1144 bases into the intron before coding-DNA position 466, G replaced by T.
Molecular consequence: intron variant.
Genome position (GRCh38, 1-based): chr13:113,346,103, C>A on the plus strand (G>T on the coding strand, the complement: GRTP1 is on the minus strand). VCF-style: chr13-113346103-C-A. GRCh37 (hg19) VCF-style: chr13-114000418-C-A.
Other names: c.466-1144G>T (NM_001286733.1, NM_001286732.2); c.232-1144G>T (NM_001411029.1).
Identifiers: ClinVar variation 2643984 (VCV002643984.24), dbSNP rs61966590, ClinGen allele CA612715033.
Genomic context (GRCh38, chr13:113,346,103, plus strand): 5'-GCCGAGAGCAGACCCGGGAGGACCTCTGCGGCTGAGCAGACCTGGGAAGACATCTGTGGC[C>A]GAGAACAGACCCGGGAGGACCTCTGTGGACAAGAGCAGACCCGGGAGGACCTCTGTGCCT-3'